The following is an entry in ClinVar:

ClinVar aggregate classification (germline): Uncertain significance (1 of 4 stars; one submission).

Submission:

Labcorp Genetics (formerly Invitae), Labcorp
Classification: Uncertain significance. Last evaluated: 2021-07-08. Review status: criteria provided, single submitter. Criteria: Invitae Variant Classification Sherloc (09022015). Collection method: clinical testing. Allele origin: germline.
Comment: This variant has not been reported in the literature in individuals affected with LOX-related conditions. In summary, the available evidence is currently insufficient to determine the role of this variant in disease. Therefore, it has been classified as a Variant of Uncertain Significance. Algorithms developed to predict the effect of missense changes on protein structure and function are either unavailable or do not agree on the potential impact of this missense change (SIFT: "Not Available"; PolyPhen-2: "Possibly Damaging"; Align-GVGD: "Not Available"). This variant is not present in population databases (ExAC no frequency). This sequence change replaces tyrosine with asparagine at codon 177 of the LOX protein (p.Tyr177Asn). The tyrosine residue is moderately conserved and there is a large physicochemical difference between tyrosine and asparagine.

NM_002317.7(LOX):c.529T>A (p.Tyr177Asn)

Genes: SRFBP1 (serum response factor binding protein 1; plus strand), LOX (lysyl oxidase; minus strand). Cytogenetic location: 5q23.1.
Variant type: single nucleotide variant.
Coding change: c.529T>A on transcript NM_002317.7 (MANE Select); coding-DNA position 529, T replaced by A.
Protein change: p.Tyr177Asn; replaces tyrosine 177 with asparagine.
Molecular consequence: missense variant.
Genome position (GRCh38, 1-based): chr5:122,077,457, A>T on the plus strand (T>A on the coding strand, the complement: LOX is on the minus strand). VCF-style: chr5-122077457-A-T. GRCh37 (hg19) VCF-style: chr5-121413152-A-T.
Other names: short protein forms Y177N.
Identifiers: ClinVar variation 1404675 (VCV001404675.8), dbSNP rs1754670774, ClinGen allele CA360875757.
Genomic context (GRCh38, chr5:122,077,457, plus strand): 5'-CCCCAGGTCTGGGCCTTTCATAAGTATCGTAGTAGTTGTAATAAGGGTTGTCGTCAGAGT[A>T]CTTGTAGGGGTTGTAAGGGTCGTCGCCCACCATGCCGTCCACGCGGCTGGGCGGCCGCAG-3'
Protein context (NP_002308.2, residues 167-187): VGDDPYNPYK[Tyr177Asn]SDDNPYYNYY